The following is an entry in ClinVar:

ClinVar aggregate classification (germline): Benign (3 of 4 stars; one submission).

Conditions:
Breast-ovarian cancer, familial, susceptibility to, 2 (BROVCA2). Also called: BRCA2 Hereditary Breast and Ovarian Cancer. Identifiers: Orphanet 145, MedGen C2675520, MONDO:0012933, OMIM 612555. Disease mechanism: loss of function.

Allele frequency attached by ClinVar (database versions not stated): gnomAD 0.00216 and 0.00221; TOPMed 0.00225; 1000 Genomes Project 0.00240; 1000 Genomes Project 30x 0.00250.
gnomAD v4.1: 324 of 152,234 alleles (0.21%); highest among the groups gnomAD compares: African/African-American, 0.75%; 3 homozygotes.

Submission:

Evidence-based Network for the Interpretation of Germline Mutant Alleles (ENIGMA)
Classification: Benign for Breast-ovarian cancer, familial 2. Last evaluated: 2015-01-12. Review status: reviewed by expert panel. Criteria: ENIGMA BRCA1/2 Classification Criteria (2015). Collection method: curation. Allele origin: germline.
Comment: Class 1 not pathogenic based on frequency >1% in an outbred sampleset. Frequency 0.02033 (African), derived from 1000 genomes (2012-04-30).

NM_000059.4(BRCA2):c.7806-429C>G

Gene: BRCA2 (BRCA2 DNA repair associated; plus strand). Cytogenetic location: 13q13.1.
Variant type: single nucleotide variant.
Coding change: c.7806-429C>G on transcript NM_000059.4 (MANE Select); 429 bases into the intron before coding-DNA position 7806, C replaced by G.
Molecular consequence: intron variant.
Genome position (GRCh38, 1-based): chr13:32,362,094, C>G. VCF-style: chr13-32362094-C-G. GRCh37 (hg19) VCF-style: chr13-32936231-C-G.
Other names: IVS 16-429C>G.
Identifiers: ClinVar variation 209775 (VCV000209775.1), dbSNP rs144062001, ClinGen allele CA276743.